The following is an entry in ClinVar:

NM_001349253.2(SCN11A):c.1919G>A (p.Gly640Asp)

Gene: SCN11A (sodium voltage-gated channel alpha subunit 11; minus strand). Cytogenetic location: 3p22.2.
Variant type: single nucleotide variant.
Coding change: c.1919G>A on transcript NM_001349253.2 (MANE Select); coding-DNA position 1919, G replaced by A.
Protein change: p.Gly640Asp; replaces glycine 640 with aspartic acid.
Molecular consequence: missense variant.
Genome position (GRCh38, 1-based): chr3:38,899,997, C>T on the plus strand (G>A on the coding strand, the complement: SCN11A is on the minus strand). VCF-style: chr3-38899997-C-T. GRCh37 (hg19) VCF-style: chr3-38941488-C-T.
Other names: c.1919G>A, p.Gly640Asp (NM_014139.3); short protein forms G640D.
Identifiers: ClinVar variation 2926938 (VCV002926938.4), dbSNP rs2470573950, ClinGen allele CA352161764.

ClinVar aggregate classification (germline): Uncertain significance. Review status: criteria provided, multiple submitters, no conflicts (2 of 4 stars). 2 submissions from 2 submitters: Uncertain significance (2). Last evaluated 2025-02-03.

Conditions:
Hereditary sensory and autonomic neuropathy type 7. Also called: HSAN VII; Neuropathy, hereditary sensory and autonomic, type VII. Identifiers: Orphanet 391397, MedGen C3809882, MONDO:0014244, OMIM 615548.
Familial episodic pain syndrome with predominantly lower limb involvement. Also called: Episodic pain syndrome, familial, 3. Identifiers: Orphanet 391384, Orphanet 391392, MedGen C3809899, MONDO:0014247, OMIM 615552.

Allele frequency attached by ClinVar (database versions not stated): gnomAD exomes 0.00001.
gnomAD v4.1: 8 of 1,614,116 alleles (0.0005%); highest among the groups gnomAD compares: Non-Finnish European, 0.00068%; no homozygotes.

Submissions (2):

Labcorp Genetics (formerly Invitae), Labcorp
Classification: Uncertain significance for Familial episodic pain syndrome with predominantly lower limb involvement; Hereditary sensory and autonomic neuropathy type 7. Last evaluated: 2025-02-03. Review status: criteria provided, single submitter. Criteria: Invitae Variant Classification Sherloc (09022015). Collection method: clinical testing. Allele origin: germline.
Comment: This sequence change replaces glycine, which is neutral and non-polar, with aspartic acid, which is acidic and polar, at codon 640 of the SCN11A protein (p.Gly640Asp). This variant is not present in population databases (gnomAD no frequency). This variant has not been reported in the literature in individuals affected with SCN11A-related conditions. ClinVar contains an entry for this variant (Variation ID: 2926938). Invitae Evidence Modeling of protein sequence and biophysical properties (such as structural, functional, and spatial information, amino acid conservation, physicochemical variation, residue mobility, and thermodynamic stability) indicates that this missense variant is not expected to disrupt SCN11A protein function with a negative predictive value of 80%. In summary, the available evidence is currently insufficient to determine the role of this variant in disease. Therefore, it has been classified as a Variant of Uncertain Significance.

Blueprint Genetics
Classification: Uncertain significance. Last evaluated: 2020-02-05. Review status: criteria provided, single submitter. Criteria: ACMG Guidelines, 2015. Collection method: clinical testing. Allele origin: germline.